The following is an entry in ClinVar:

NM_000089.4(COL1A2):c.2947C>T (p.Pro983Ser)

Gene: COL1A2 (collagen type I alpha 2 chain; plus strand). Cytogenetic location: 7q21.3.
Variant type: single nucleotide variant.
Coding change: c.2947C>T on transcript NM_000089.4 (MANE Select); coding-DNA position 2947, C replaced by T.
Protein change: p.Pro983Ser; replaces proline 983 with serine.
Molecular consequence: missense variant.
Genome position (GRCh38, 1-based): chr7:94,426,001, C>T. VCF-style: chr7-94426001-C-T. GRCh37 (hg19) VCF-style: chr7-94055313-C-T.
Other names: short protein forms P983S.
Identifiers: ClinVar variation 1988215 (VCV001988215.4), dbSNP rs2484735288, ClinGen allele CA368224953.
Genomic context (GRCh38, chr7:94,426,001, plus strand): 5'-AGTGGGGAGGGGTATCTTGGGCCTAGCTAAGTTGTGTTTTTCTTTTTCATTTCACAGGGT[C>T]CTTCTGGTCCTGTTGGTCCTGCTGGTGCTGTTGGCCCAAGAGGTCCTAGTGTATGTACAT-3'
Protein context (NP_000080.2, residues 973-993): GKHGNRGETG[Pro983Ser]SGPVGPAGAV

ClinVar aggregate classification (germline): Uncertain significance (1 of 4 stars; one submission).

Conditions:
Ehlers-Danlos syndrome, classic type, 1 (EDSCL1). Also called: EHLERS-DANLOS SYNDROME, GRAVIS TYPE; EHLERS-DANLOS SYNDROME, SEVERE CLASSIC TYPE; Ehlers-Danlos syndrome, type 1; EDS I; Ehlers-Danlos Syndrome, Classic Type, COL5A1-Related. Identifiers: MedGen C0268335, MONDO:0019567, OMIM 130000.
Osteogenesis imperfecta type I (OI1). Also called: OI, TYPE I; OSTEOGENESIS IMPERFECTA TARDA; OSTEOGENESIS IMPERFECTA WITH BLUE SCLERAE; Osteogenesis imperfecta type 1; Lobstein's Disease; Lobstein disease. Identifiers: Orphanet 216796, Orphanet 666, MedGen C0023931, MONDO:0008146, OMIM 166200. Disease mechanism: loss of function.

Submission:

Labcorp Genetics (formerly Invitae), Labcorp
Classification: Uncertain significance for Osteogenesis imperfecta type I; Ehlers-Danlos syndrome, classic type, 1. Last evaluated: 2022-10-05. Review status: criteria provided, single submitter. Criteria: Invitae Variant Classification Sherloc (09022015). Collection method: clinical testing. Allele origin: germline.
Comment: This sequence change replaces proline, which is neutral and non-polar, with serine, which is neutral and polar, at codon 983 of the COL1A2 protein (p.Pro983Ser). This variant is not present in population databases (gnomAD no frequency). This variant has not been reported in the literature in individuals affected with COL1A2-related conditions. Advanced modeling of protein sequence and biophysical properties (such as structural, functional, and spatial information, amino acid conservation, physicochemical variation, residue mobility, and thermodynamic stability) performed at Invitae indicates that this missense variant is not expected to disrupt COL1A2 protein function. In summary, the available evidence is currently insufficient to determine the role of this variant in disease. Therefore, it has been classified as a Variant of Uncertain Significance.